The following is an entry in ClinVar:

NM_001903.5(CTNNA1):c.133A>C (p.Lys45Gln)

Gene: CTNNA1 (catenin alpha 1; plus strand). Cytogenetic location: 5q31.2.
Variant type: single nucleotide variant.
Coding change: c.133A>C on transcript NM_001903.5 (MANE Select); coding-DNA position 133, A replaced by C.
Protein change: p.Lys45Gln; replaces lysine 45 with glutamine.
Molecular consequence: missense variant. On other transcripts: 5 prime UTR variant (1), intron variant (1).
Genome position (GRCh38, 1-based): chr5:138,783,204, A>C. VCF-style: chr5-138783204-A-C. GRCh37 (hg19) VCF-style: chr5-138118893-A-C.
Other names: c.133A>C, p.Lys45Gln (NM_001290307.3, NM_001323982.2, NM_001323983.1 and 3 more transcripts); c.-74A>C (NM_001290310.3); c.-9+1175A>C (NM_001290309.3); short protein forms K45Q.
Identifiers: ClinVar variation 1505066 (VCV001505066.6), dbSNP rs2149656124, ClinGen allele CA361477316.

ClinVar aggregate classification (germline): Uncertain significance (1 of 4 stars; one submission).

Submission:

Labcorp Genetics (formerly Invitae), Labcorp
Classification: Uncertain significance. Last evaluated: 2021-09-15. Review status: criteria provided, single submitter. Criteria: Invitae Variant Classification Sherloc (09022015). Collection method: clinical testing. Allele origin: germline.
Comment: In summary, the available evidence is currently insufficient to determine the role of this variant in disease. Therefore, it has been classified as a Variant of Uncertain Significance. Algorithms developed to predict the effect of missense changes on protein structure and function are either unavailable or do not agree on the potential impact of this missense change (SIFT: "Deleterious"; PolyPhen-2: "Benign"; Align-GVGD: "Class C0"). This variant has not been reported in the literature in individuals affected with CTNNA1-related conditions. This variant is not present in population databases (ExAC no frequency). This sequence change replaces lysine with glutamine at codon 45 of the CTNNA1 protein (p.Lys45Gln). The lysine residue is highly conserved and there is a small physicochemical difference between lysine and glutamine.